The following is an entry in ClinVar:

NM_001042492.3(NF1):c.3574_3575del (p.Glu1192fs)

Gene: NF1 (neurofibromin 1; plus strand). Cytogenetic location: 17q11.2.
Variant type: Deletion.
Coding change: c.3574_3575del on transcript NM_001042492.3 (MANE Select); coding-DNA positions 3574 to 3575, 2 bases deleted (GA; older notation c.3574_3575delGA).
Protein change: p.Glu1192fs; shifts the reading frame from glutamic acid 1192.
Molecular consequence: frameshift variant.
Genome position (GRCh38, 1-based): chr17:31,233,079-31,233,080, GA deleted; deleting any 2 consecutive bases within chr17:31,233,078-31,233,080 gives the same sequence; the c. name uses the placement nearest the transcript's 3' end. VCF-style (leftmost placement, unchanged base first): chr17-31233077-CAG-C. GRCh37 (hg19) VCF-style: chr17-29560095-CAG-C.
Other names: c.3574_3575del, p.Glu1192fs (NM_000267.4); short protein forms E1192fs.
Identifiers: ClinVar variation 4119124 (VCV004119124.1).

ClinVar aggregate classification (germline): Pathogenic (1 of 4 stars; one submission).

Conditions:
Cardiovascular phenotype. Identifiers: MedGen CN230736.
Hereditary cancer-predisposing syndrome. Also called: Hereditary neoplastic syndrome; Neoplastic Syndromes, Hereditary; Tumor predisposition; Hereditary Cancer Syndrome. Identifiers: Orphanet 140162, MedGen C0027672, MeSH D009386, MONDO:0015356.

Submission:

Ambry Genetics
Classification: Pathogenic for Cardiovascular phenotype; Hereditary cancer-predisposing syndrome. Last evaluated: 2025-08-18. Review status: criteria provided, single submitter. Criteria: Ambry Variant Classification Scheme 2023. Collection method: clinical testing. Allele origin: germline.
Comment: The c.3574_3575delGA variant, located in coding exon 27 of the NF1 gene, results from a deletion of two nucleotides at nucleotide positions 3574 to 3575, causing a translational frameshift with a predicted alternate stop codon (p.E1192Ifs*2). This variant is considered to be rare based on population cohorts in the Genome Aggregation Database (gnomAD). This alteration is expected to result in loss of function by premature protein truncation or nonsense-mediated mRNA decay. As such, this alteration is interpreted as a disease-causing mutation.